The following is an entry in ClinVar:

ClinVar aggregate classification (germline): Likely benign. Review status: criteria provided, multiple submitters, no conflicts (2 of 4 stars). 2 submissions from 2 submitters: Likely benign (2). Last evaluated 2025-04-14.

Conditions:
Hyperphosphatasia with impaired intellectual development syndrome 2. Also called: GLYCOSYLPHOSPHATIDYLINOSITOL BIOSYNTHESIS DEFECT 6; Hyperphosphatasia with intellectual disability syndrome 2. Identifiers: Orphanet 247262, MedGen C3553637, MONDO:0013882, OMIM 614749.

Allele frequency attached by ClinVar (database versions not stated): gnomAD exomes below 0.00001 and 0.00002; TOPMed 0.00002; ExAC 0.00003; ESP Exome Variant Server 0.00008; gnomAD 0.00003.
gnomAD v4.1: 9 of 1,614,120 alleles (0.00056%); highest among the groups gnomAD compares: African/African-American, 0.0053%; no homozygotes.

Submissions (2):

Labcorp Genetics (formerly Invitae), Labcorp
Classification: Likely benign for Hyperphosphatasia with impaired intellectual development syndrome 2. Last evaluated: 2025-04-14. Review status: criteria provided, single submitter. Criteria: Invitae Variant Classification Sherloc (09022015). Collection method: clinical testing. Allele origin: germline.

GeneDx
Classification: Likely benign. Last evaluated: 2016-08-29. Review status: criteria provided, single submitter. Criteria: GeneDx Variant Classification (06012015). Collection method: clinical testing. Allele origin: germline. Affected: yes.
Comment: This variant is considered likely benign or benign based on one or more of the following criteria: it is a conservative change, it occurs at a poorly conserved position in the protein, it is predicted to be benign by multiple in silico algorithms, and/or has population frequency not consistent with disease.

NM_032634.4(PIGO):c.2763C>T (p.Phe921=)

Gene: PIGO (phosphatidylinositol glycan anchor biosynthesis class O; minus strand). Cytogenetic location: 9p13.3.
Variant type: single nucleotide variant.
Coding change: c.2763C>T on transcript NM_032634.4 (MANE Select); coding-DNA position 2763, C replaced by T.
Protein change: p.Phe921=; no amino-acid change (phenylalanine 921 retained).
Molecular consequence: synonymous variant.
Genome position (GRCh38, 1-based): chr9:35,090,557, G>A on the plus strand (C>T on the coding strand, the complement: PIGO is on the minus strand). VCF-style: chr9-35090557-G-A. GRCh37 (hg19) VCF-style: chr9-35090554-G-A.
Other names: c.1512C>T, p.Phe504= (NM_001201484.2, NM_152850.4).
Identifiers: ClinVar variation 388916 (VCV000388916.9), dbSNP rs150780733, ClinGen allele CA5040338.